The following is an entry in ClinVar:

ClinVar aggregate classification (germline): Pathogenic. Review status: criteria provided, multiple submitters, no conflicts (2 of 4 stars). 2 submissions from 2 submitters: Pathogenic (2). Last evaluated 2024-06-24.

Conditions:
Cardiovascular phenotype. Identifiers: MedGen CN230736.
Hereditary cancer-predisposing syndrome. Also called: Neoplastic Syndromes, Hereditary; Tumor predisposition; Hereditary Cancer Syndrome; Hereditary neoplastic syndrome. Identifiers: Orphanet 140162, MedGen C0027672, MeSH D009386, MONDO:0015356.

Submissions (2):

Dasa
Classification: Pathogenic. Last evaluated: 2024-06-24. Review status: criteria provided, single submitter. Criteria: DASA Assertion Criteria. Collection method: clinical testing. Allele origin: germline.
Comment: NM_006767.4(LZTR1):c.1864_1868del (p.Ser622Thrfs*45) introduces a premature termination codon predicted to result in loss of normal protein function. Loss-of-function is an established mechanism of disease for this gene. Multiple computational predictions support a deleterious effect on the gene or gene product. Based on the available data, this variant is classified as pathogenic.

Ambry Genetics
Classification: Pathogenic for Cardiovascular phenotype; Hereditary cancer-predisposing syndrome. Last evaluated: 2020-09-01. Review status: criteria provided, single submitter. Criteria: Ambry Variant Classification Scheme 2023. Collection method: clinical testing. Allele origin: germline.
Comment: The c.1864_1868delTCTCC variant, located in coding exon 16 of the LZTR1 gene, results from a deletion of 5 nucleotides at nucleotide positions 1864 to 1868, causing a translational frameshift with a predicted alternate stop codon (p.S622Tfs*45). This alteration is expected to result in loss of function by premature protein truncation or nonsense-mediated mRNA decay. As such, this alteration is interpreted as a disease-causing mutation.

NM_006767.4(LZTR1):c.1864_1868del (p.Ser622fs)

Gene: LZTR1 (leucine zipper like post translational regulator 1; plus strand). Cytogenetic location: 22q11.21.
Variant type: Microsatellite.
Coding change: c.1864_1868del on transcript NM_006767.4 (MANE Select); coding-DNA positions 1864 to 1868, 5 bases deleted (TCTCC; older notation c.1864_1868delTCTCC).
Protein change: p.Ser622fs; shifts the reading frame from serine 622.
Molecular consequence: frameshift variant.
Genome position (GRCh38, 1-based): chr22:20,994,948-20,994,952, TCTCC deleted; deleting any 5 consecutive bases within chr22:20,994,941-20,994,952 gives the same sequence; the c. name uses the placement nearest the transcript's 3' end. VCF-style (leftmost placement, unchanged base first): chr22-20994940-GCCTCT-G. GRCh37 (hg19) VCF-style: chr22-21349229-GCCTCT-G.
Other names: short protein forms S622fs.
Identifiers: ClinVar variation 1781549 (VCV001781549.3), dbSNP rs1924774579, ClinGen allele CA2396642488.
Genomic context (GRCh38, chr22:20,994,940, plus strand): 5'-TGAACTTCGTGGTAAAGGAGTCCCACTTCAACCAGGTGATCATGATGAAGGAGTTCGAGC[GCCTCT>G]CCTCTCCACTGATAGTGGAGATTGTGCGGCGGAAGCAGCAGCCGCCCCCTCGCACTCCCT-3'